The following is an entry in ClinVar:

NM_021098.3(CACNA1H):c.4318T>A (p.Phe1440Ile)

Gene: CACNA1H (calcium voltage-gated channel subunit alpha1 H; plus strand). Cytogenetic location: 16p13.3.
Variant type: single nucleotide variant.
Coding change: c.4318T>A on transcript NM_021098.3 (MANE Select); coding-DNA position 4318, T replaced by A.
Protein change: p.Phe1440Ile; replaces phenylalanine 1440 with isoleucine.
Molecular consequence: missense variant.
Genome position (GRCh38, 1-based): chr16:1,211,262, T>A. VCF-style: chr16-1211262-T-A. GRCh37 (hg19) VCF-style: chr16-1261262-T-A.
Other names: c.4318T>A, p.Phe1440Ile (NM_001005407.2); short protein forms F1440I.
Identifiers: ClinVar variation 2155435 (VCV002155435.4), dbSNP rs545262024, ClinGen allele CA394178474.
Genomic context (GRCh38, chr16:1,211,262, plus strand): 5'-GTGGAGACGCTGATATCATCACTCAGGCCCATTGGGAACATCGTCCTCATCTGCTGCGCC[T>A]TCTTCATCATTTTTGGCATTTTGGGTGTGCAGGTGTGTGGCCCCCACGTGCCCGGGGGTC-3'
Protein context (NP_066921.2, residues 1430-1450): IGNIVLICCA[Phe1440Ile]FIIFGILGVQ

ClinVar aggregate classification (germline): Uncertain significance (1 of 4 stars; one submission).

Conditions:
Hyperaldosteronism, familial, type IV (HALD4). Also called: FH IV; ALDOSTERONISM, PRIMARY, AND HYPERTENSION. Identifiers: Orphanet 642671, MedGen C4310756, MONDO:0014875, OMIM 617027.
Idiopathic generalized epilepsy. Also called: EIG; Generalised epilepsy. Identifiers: MedGen C0270850, MONDO:0005579, OMIM 600669.

gnomAD v4.1: 7 of 1,613,116 alleles (0.00043%); highest among the groups gnomAD compares: Non-Finnish European, 0.00059%; no homozygotes.

Submission:

Labcorp Genetics (formerly Invitae), Labcorp
Classification: Uncertain significance for Idiopathic generalized epilepsy; Hyperaldosteronism, familial, type IV. Last evaluated: 2022-02-04. Review status: criteria provided, single submitter. Criteria: Invitae Variant Classification Sherloc (09022015). Collection method: clinical testing. Allele origin: germline.
Comment: In summary, the available evidence is currently insufficient to determine the role of this variant in disease. Therefore, it has been classified as a Variant of Uncertain Significance. Advanced modeling of protein sequence and biophysical properties (such as structural, functional, and spatial information, amino acid conservation, physicochemical variation, residue mobility, and thermodynamic stability) performed at Invitae indicates that this missense variant is expected to disrupt CACNA1H protein function. This variant has not been reported in the literature in individuals affected with CACNA1H-related conditions. This variant is not present in population databases (gnomAD no frequency). This sequence change replaces phenylalanine, which is neutral and non-polar, with isoleucine, which is neutral and non-polar, at codon 1440 of the CACNA1H protein (p.Phe1440Ile).